The following is an entry in ClinVar:

NM_182641.4(BPTF):c.6282T>A (p.Thr2094=)

Gene: BPTF (bromodomain PHD finger transcription factor; plus strand). Cytogenetic location: 17q24.2.
Variant type: single nucleotide variant.
Coding change: c.6282T>A on transcript NM_182641.4 (MANE Select); coding-DNA position 6282, T replaced by A.
Protein change: p.Thr2094=; no amino-acid change (threonine 2094 retained).
Molecular consequence: synonymous variant.
Genome position (GRCh38, 1-based): chr17:67,940,461, T>A. VCF-style: chr17-67940461-T-A. GRCh37 (hg19) VCF-style: chr17-65936577-T-A.
Other names: c.6282T>A (NM_182641.3); c.6660T>A, p.Thr2220= (NM_004459.7).
Identifiers: ClinVar variation 3256987 (VCV003256987.18).
Genomic context (GRCh38, chr17:67,940,461, plus strand): 5'-GGTGTATAAGCATTCATAATGTTTTGCTGTTTGGGTAGGTGCTCCTCAGCAAGTGATGAC[T>A]CAAATCATCAGGGGGCAGCCTGTCTCCACTGCAGTCTCCGCCCCTAACACGGTTTCCTCA-3'
Protein context (NP_872579.2, residues 2084-2104): VQPGAPQQVM[Thr2094=]QIIRGQPVST

ClinVar aggregate classification (germline): Likely benign. Review status: criteria provided, multiple submitters, no conflicts (2 of 4 stars). 2 submissions from 2 submitters: Likely benign (2). Last evaluated 2026-06-09.

Conditions:
BPTF-related disorder. Also called: BPTF-related condition.

gnomAD v4.1: 144 of 1,613,984 alleles (0.0089%); highest among the groups gnomAD compares: Middle Eastern, 0.082%; no homozygotes.

Submissions (2):

PreventionGenetics, part of Exact Sciences
Classification: Likely benign for BPTF-related condition. Last evaluated: 2026-06-09. Review status: criteria provided, single submitter. Criteria: ACMG Guidelines, 2015. Collection method: clinical testing. Allele origin: germline.
Comment: This variant is classified as likely benign based on ACMG/AMP sequence variant interpretation guidelines (Richards et al. 2015 PMID: 25741868, with internal and published modifications).

CeGaT Center for Human Genetics Tuebingen
Classification: Likely benign. Last evaluated: 2024-07-01. Review status: criteria provided, single submitter. Criteria: CeGaT Center For Human Genetics Tuebingen Variant Classification Criteria Version 2. Collection method: clinical testing. Allele origin: germline. Affected: yes. Observed: 1 variant allele.
Comment: BPTF: BP4, BP7